The following is an entry in ClinVar:

ClinVar aggregate classification (germline): Uncertain significance (1 of 4 stars; one submission).

Conditions:
Ellis-van Creveld syndrome (EVC). Also called: EVC-Related Ellis-van Creveld Syndrome; EVC2-Related Ellis-van Creveld Syndrome; MESOECTODERMAL DYSPLASIA; Chondroectodermal dysplasia. Identifiers: Orphanet 289, MedGen C0013903, MONDO:0009162, OMIM 225500.
Curry-Hall syndrome (WAD). Also called: WEYERS ACRODENTAL DYSOSTOSIS. Identifiers: Orphanet 952, MedGen C0457013, MONDO:0008673, OMIM 193530.

Submission:

Labcorp Genetics (formerly Invitae), Labcorp
Classification: Uncertain significance for Curry-Hall syndrome; Ellis-van Creveld syndrome. Last evaluated: 2022-03-14. Review status: criteria provided, single submitter. Criteria: Invitae Variant Classification Sherloc (09022015). Collection method: clinical testing. Allele origin: germline.
Comment: In summary, the available evidence is currently insufficient to determine the role of this variant in disease. Therefore, it has been classified as a Variant of Uncertain Significance. This variant has not been reported in the literature in individuals affected with EVC2-related conditions. Algorithms developed to predict the effect of missense changes on protein structure and function (SIFT, PolyPhen-2, Align-GVGD) all suggest that this variant is likely to be tolerated. This sequence change replaces leucine, which is neutral and non-polar, with phenylalanine, which is neutral and non-polar, at codon 204 of the EVC2 protein (p.Leu204Phe). This variant is not present in population databases (gnomAD no frequency).

NM_147127.5(EVC2):c.610C>T (p.Leu204Phe)

Gene: EVC2 (EvC ciliary complex subunit 2; minus strand). Cytogenetic location: 4p16.2.
Variant type: single nucleotide variant.
Coding change: c.610C>T on transcript NM_147127.5 (MANE Select); coding-DNA position 610, C replaced by T.
Protein change: p.Leu204Phe; replaces leucine 204 with phenylalanine.
Molecular consequence: missense variant.
Genome position (GRCh38, 1-based): chr4:5,689,253, G>A on the plus strand (C>T on the coding strand, the complement: EVC2 is on the minus strand). VCF-style: chr4-5689253-G-A. GRCh37 (hg19) VCF-style: chr4-5690980-G-A.
Other names: c.370C>T, p.Leu124Phe (NM_001166136.2); short protein forms L204F, L124F.
Identifiers: ClinVar variation 2111826 (VCV002111826.4), dbSNP rs2475591306, ClinGen allele CA356148415.